The following is an entry in ClinVar:

NM_015047.3(EMC1):c.696G>C (p.Glu232Asp)

Genes: EMC1 (ER membrane protein complex subunit 1; minus strand), EMC1-AS1 (EMC1 antisense RNA 1; plus strand). Cytogenetic location: 1p36.13.
Variant type: single nucleotide variant.
Coding change: c.696G>C on transcript NM_015047.3 (MANE Select); coding-DNA position 696, G replaced by C.
Protein change: p.Glu232Asp; replaces glutamic acid 232 with aspartic acid.
Molecular consequence: missense variant. On other transcripts: non-coding transcript variant (1).
Genome position (GRCh38, 1-based): chr1:19,240,387, C>G on the plus strand (G>C on the coding strand, the complement: EMC1 is on the minus strand). VCF-style: chr1-19240387-C-G. GRCh37 (hg19) VCF-style: chr1-19566881-C-G.
Other names: c.696G>C, p.Glu232Asp (NM_001271428.2, NM_001375820.1, NM_001375821.1 and 1 more transcripts); c.630G>C, p.Glu210Asp (NM_001271429.2); short protein forms E210D, E232D.
Identifiers: ClinVar variation 942939 (VCV000942939.9), dbSNP rs12084825, ClinGen allele CA338769086.

ClinVar aggregate classification (germline): Uncertain significance (1 of 4 stars; one submission).

gnomAD v4.1: 15 of 1,614,126 alleles (0.00093%); highest among the groups gnomAD compares: Non-Finnish European, 0.0013%; no homozygotes.

Submission:

Labcorp Genetics (formerly Invitae), Labcorp
Classification: Uncertain significance. Last evaluated: 2025-07-14. Review status: criteria provided, single submitter. Criteria: Invitae Variant Classification Sherloc (09022015). Collection method: clinical testing. Allele origin: germline.
Comment: This sequence change replaces glutamic acid, which is acidic and polar, with aspartic acid, which is acidic and polar, at codon 232 of the EMC1 protein (p.Glu232Asp). This variant is not present in population databases (gnomAD no frequency). This variant has not been reported in the literature in individuals affected with EMC1-related conditions. ClinVar contains an entry for this variant (Variation ID: 942939). Invitae Evidence Modeling of protein sequence and biophysical properties (such as structural, functional, and spatial information, amino acid conservation, physicochemical variation, residue mobility, and thermodynamic stability) indicates that this missense variant is not expected to disrupt EMC1 protein function with a negative predictive value of 80%. In summary, the available evidence is currently insufficient to determine the role of this variant in disease. Therefore, it has been classified as a Variant of Uncertain Significance.